The following is an entry in ClinVar:

ClinVar aggregate classification (germline): Uncertain significance (1 of 4 stars; one submission).

Conditions:
Hyperprolinemia type 2 (HYRPRO2). Also called: Deficiency of pyrroline-5-carboxylate reductase; 1-PYRROLINE-5-CARBOXYLATE DEHYDROGENASE DEFICIENCY; Delta-1-pyrroline-5-carboxylate dehydrogenase deficiency. Identifiers: Orphanet 79101, MedGen C2931835, MONDO:0009401, OMIM 239510.

Allele frequency attached by ClinVar (database versions not stated): 1000 Genomes Project 30x 0.00031; 1000 Genomes Project 0.00040.
gnomAD v4.1: 16 of 1,613,266 alleles (0.00099%); highest among the groups gnomAD compares: East Asian, 0.036%; no homozygotes.

Submission:

Labcorp Genetics (formerly Invitae), Labcorp
Classification: Uncertain significance for Hyperprolinemia type 2. Last evaluated: 2023-05-11. Review status: criteria provided, single submitter. Criteria: Invitae Variant Classification Sherloc (09022015). Collection method: clinical testing. Allele origin: germline.
Comment: In summary, the available evidence is currently insufficient to determine the role of this variant in disease. Therefore, it has been classified as a Variant of Uncertain Significance. An algorithm developed to predict the effect of missense changes on protein structure and function (PolyPhen-2) suggests that this variant is likely to be disruptive. This variant has not been reported in the literature in individuals affected with ALDH4A1-related conditions. This variant is present in population databases (rs150413209, gnomAD 0.03%). This sequence change replaces glycine, which is neutral and non-polar, with alanine, which is neutral and non-polar, at codon 199 of the ALDH4A1 protein (p.Gly199Ala).

NM_003748.4(ALDH4A1):c.596G>C (p.Gly199Ala)

Gene: ALDH4A1 (aldehyde dehydrogenase 4 family member A1; minus strand). Cytogenetic location: 1p36.13.
Variant type: single nucleotide variant.
Coding change: c.596G>C on transcript NM_003748.4 (MANE Select); coding-DNA position 596, G replaced by C.
Protein change: p.Gly199Ala; replaces glycine 199 with alanine.
Molecular consequence: missense variant.
Genome position (GRCh38, 1-based): chr1:18,883,286, C>G on the plus strand (G>C on the coding strand, the complement: ALDH4A1 is on the minus strand). VCF-style: chr1-18883286-C-G. GRCh37 (hg19) VCF-style: chr1-19209780-C-G.
Other names: c.416G>C, p.Gly139Ala (NM_001161504.2); c.596G>C, p.Gly199Ala (NM_001319218.2, NM_170726.3); short protein forms G199A, G139A.
Identifiers: ClinVar variation 3011359 (VCV003011359.3), dbSNP rs150413209, ClinGen allele CA647315.